The following is an entry in ClinVar:

ClinVar aggregate classification (germline): Uncertain significance (1 of 4 stars; one submission).

gnomAD v4.1: 19 of 1,613,940 alleles (0.0012%); highest among the groups gnomAD compares: South Asian, 0.02%; no homozygotes.

Submission:

Ambry Genetics
Classification: Uncertain significance. Last evaluated: 2025-05-17. Review status: criteria provided, single submitter. Criteria: Ambry Variant Classification Scheme 2023. Collection method: clinical testing. Allele origin: germline.
Comment: The p.D650Y variant (also known as c.1948G>T), located in coding exon 13 of the GEN1 gene, results from a G to T substitution at nucleotide position 1948. The aspartic acid at codon 650 is replaced by tyrosine, an amino acid with highly dissimilar properties. This amino acid position is conserved. In addition, this alteration is predicted to be tolerated by in silico analysis. Based on the available evidence, the clinical significance of this variant remains unclear.

NM_001130009.3(GEN1):c.1948G>T (p.Asp650Tyr)

Gene: GEN1 (GEN1 Holliday junction 5' flap endonuclease; plus strand). Cytogenetic location: 2p24.2.
Variant type: single nucleotide variant.
Coding change: c.1948G>T on transcript NM_001130009.3 (MANE Select); coding-DNA position 1948, G replaced by T.
Protein change: p.Asp650Tyr; replaces aspartic acid 650 with tyrosine.
Molecular consequence: missense variant.
Genome position (GRCh38, 1-based): chr2:17,781,160, G>T. VCF-style: chr2-17781160-G-T. GRCh37 (hg19) VCF-style: chr2-17962427-G-T.
Other names: c.1948G>T, p.Asp650Tyr (NM_182625.5); short protein forms D650Y.
Identifiers: ClinVar variation 4029301 (VCV004029301.1).